The following is an entry in ClinVar:

NM_000260.4(MYO7A):c.6184G>T (p.Glu2062Ter)

Gene: MYO7A (myosin VIIA; plus strand). Cytogenetic location: 11q13.5.
Variant type: single nucleotide variant.
Coding change: c.6184G>T on transcript NM_000260.4 (MANE Select); coding-DNA position 6184, G replaced by T.
Protein change: p.Glu2062Ter; replaces glutamic acid 2062 with a stop codon.
Molecular consequence: nonsense.
Genome position (GRCh38, 1-based): chr11:77,211,284, G>T. VCF-style: chr11-77211284-G-T. GRCh37 (hg19) VCF-style: chr11-76922329-G-T.
Other names: c.6070G>T, p.Glu2024Ter (NM_001127180.2); c.6037G>T, p.Glu2013Ter (NM_001369365.1); short protein forms E2013*, E2024*, E2062*.
Identifiers: ClinVar variation 983990 (VCV000983990.11), dbSNP rs530700420, ClinGen allele CA381936119.
Genomic context (GRCh38, chr11:77,211,284, plus strand): 5'-TACAGGGTCAAGTTCGAGGAGGACAAGTCCTACTTCCCCAGCATCCCCAAGCTGCTGCGG[G>T]AGCTGGTGCCCCAGGACCTTATCCGGCAGGTCTCACCTGATGACTGGAAGCGGGTGAGCA-3'

ClinVar aggregate classification (germline): Pathogenic/Likely pathogenic. Review status: criteria provided, multiple submitters, no conflicts (2 of 4 stars). 2 submissions from 2 submitters: Pathogenic (1); Likely pathogenic (1). Last evaluated 2025-09-08.

Conditions:
Usher syndrome type 1 (USH1). Also called: RETINITIS PIGMENTOSA AND CONGENITAL DEAFNESS. Identifiers: Orphanet 231169, Orphanet 886, MedGen C1568247, MONDO:0010168, OMIM 276900.

Allele frequency attached by ClinVar (database versions not stated): gnomAD exomes below 0.00001.
gnomAD v4.1: 1 of 1,581,968 alleles (0.000063%); highest among the groups gnomAD compares: Non-Finnish European, 0.000086%; no homozygotes.

Submissions (2):

Labcorp Genetics (formerly Invitae), Labcorp
Classification: Pathogenic. Last evaluated: 2025-09-08. Review status: criteria provided, single submitter. Criteria: Invitae Variant Classification Sherloc (09022015). Collection method: clinical testing. Allele origin: germline.
Comment: This sequence change creates a premature translational stop signal (p.Glu2062*) in the MYO7A gene. It is expected to result in an absent or disrupted protein product. Loss-of-function variants in MYO7A are known to be pathogenic (PMID: 8900236, 25404053). This variant is not present in population databases (gnomAD no frequency). This variant has not been reported in the literature in individuals affected with MYO7A-related conditions. ClinVar contains an entry for this variant (Variation ID: 983990). For these reasons, this variant has been classified as Pathogenic.

Myriad Genetics, Inc.
Classification: Likely pathogenic for Usher syndrome type 1. Last evaluated: 2019-07-29. Review status: criteria provided, single submitter. Criteria: Myriad Women's Health Autosomal Recessive and X-Linked Classification Criteria (2019). Collection method: clinical testing. Allele origin: unknown.
Comment: NM_000260.3(MYO7A):c.6184G>T(E2062*) is expected to be pathogenic in the context of MYO7A-related disorders. This variant is predicted to lead to an abnormal or absent protein product due to the creation of a premature termination codon in MYO7A, a gene where loss-of-function variants are known to be pathogenic. Please note: this variant was assessed in the context of healthy population screening.

Literature cited by the submitters: PubMed 8900236 (cited by Labcorp Genetics (formerly Invitae), Labcorp); PubMed 25404053 (cited by Labcorp Genetics (formerly Invitae), Labcorp).